The following is an entry in ClinVar:

NM_001845.6(COL4A1):c.771G>A (p.Lys257=)

Gene: COL4A1 (collagen type IV alpha 1 chain; minus strand). Cytogenetic location: 13q34.
Variant type: single nucleotide variant.
Coding change: c.771G>A on transcript NM_001845.6 (MANE Select); coding-DNA position 771, G replaced by A.
Protein change: p.Lys257=; no amino-acid change (lysine 257 retained).
Molecular consequence: synonymous variant.
Genome position (GRCh38, 1-based): chr13:110,207,412, C>T on the plus strand (G>A on the coding strand, the complement: COL4A1 is on the minus strand). VCF-style: chr13-110207412-C-T. GRCh37 (hg19) VCF-style: chr13-110859759-C-T.
Other names: c.771G>A, p.Lys257= (NM_001303110.2).
Identifiers: ClinVar variation 1636297 (VCV001636297.21), dbSNP rs757482570, ClinGen allele CA7048336.

ClinVar aggregate classification (germline): Likely benign. Review status: criteria provided, multiple submitters, no conflicts (2 of 4 stars). 2 submissions from 2 submitters: Likely benign (2). Last evaluated 2025-02-01.

Allele frequency attached by ClinVar (database versions not stated): gnomAD exomes below 0.00001 and 0.00003; gnomAD 0.00001; TOPMed 0.00002; ExAC 0.00003.
gnomAD v4.1: 7 of 1,613,730 alleles (0.00043%); highest among the groups gnomAD compares: East Asian, 0.011%; no homozygotes.

Submissions (2):

CeGaT Center for Human Genetics Tuebingen
Classification: Likely benign. Last evaluated: 2025-02-01. Review status: criteria provided, single submitter. Criteria: CeGaT Center For Human Genetics Tuebingen Variant Classification Criteria Version 2. Collection method: clinical testing. Allele origin: germline. Affected: yes. Observed: 1 variant allele.
Comment: COL4A1: BP4, BP7

Labcorp Genetics (formerly Invitae), Labcorp
Classification: Likely benign. Last evaluated: 2022-09-01. Review status: criteria provided, single submitter. Criteria: Invitae Variant Classification Sherloc (09022015). Collection method: clinical testing. Allele origin: germline.